The following is an entry in ClinVar:

NM_004006.3(DMD):c.5739+362A>G

Gene: DMD (dystrophin; minus strand). Cytogenetic location: Xp21.1.
Variant type: single nucleotide variant.
Coding change: c.5739+362A>G on transcript NM_004006.3 (MANE Select); 362 bases into the intron after coding-DNA position 5739, A replaced by G.
Molecular consequence: intron variant.
Genome position (GRCh38, 1-based): chrX:32,342,772, T>C on the plus strand (A>G on the coding strand, the complement: DMD is on the minus strand). VCF-style: chrX-32342772-T-C. GRCh37 (hg19) VCF-style: chrX-32360889-T-C.
Other names: c.5715+362A>G (NM_000109.4); c.1716+362A>G (NM_004011.4); c.1707+362A>G (NM_004012.4); c.5727+362A>G (NM_004009.3); c.5370+362A>G (NM_004010.3).
Identifiers: ClinVar variation 4078506 (VCV004078506.2).
Genomic context (GRCh38, chrX:32,342,772, plus strand): 5'-ATAACAGAAAAAAACATATTTAGACAATATGCAAATAAATCTATAGAGAGTGAACACTGA[T>C]GTGTGAAGATGCTCTGATGAAATGAATGGGCTAACATGAGTAAGAAGTCGTCCATATACC-3'

ClinVar aggregate classification (germline): Pathogenic. Review status: criteria provided, multiple submitters, no conflicts (2 of 4 stars). 2 submissions from 2 submitters: Pathogenic (2). Last evaluated 2025-06-02.

Submissions (2):

GeneDx
Classification: Pathogenic. Last evaluated: 2025-06-02. Review status: criteria provided, single submitter. Criteria: GeneDx Variant Classification Process June 2021. Collection method: clinical testing. Allele origin: germline. Affected: yes.
Comment: Non-canonical splice site variant demonstrated to result in loss of function (PMID: 33936175, 36048237, 31793735); No data available from control populations to assess the frequency of this variant; This variant is associated with the following publications: (PMID: 33050418, 33936175, 36048237, 31793735)

Revvity Omics, Revvity
Classification: Pathogenic. Last evaluated: 2024-02-28. Review status: criteria provided, single submitter. Criteria: ACMG Guidelines, 2015. Collection method: clinical testing. Allele origin: germline.